The following is an entry in ClinVar:

ClinVar aggregate classification (germline): Pathogenic (1 of 4 stars; one submission).

Conditions:
Familial adenomatous polyposis 2. Also called: COLORECTAL ADENOMATOUS POLYPOSIS, AUTOSOMAL RECESSIVE; ADENOMAS, MULTIPLE COLORECTAL, AUTOSOMAL RECESSIVE; FAP type 2; MUTYH Polyposis; MYH-associated polyposis; Adenomas, multiple colorectal. Identifiers: Orphanet 220460, Orphanet 247798, MedGen C3272841, MONDO:0012041, OMIM 608456.

Submission:

Labcorp Genetics (formerly Invitae), Labcorp
Classification: Pathogenic for Familial adenomatous polyposis 2. Last evaluated: 2023-11-29. Review status: criteria provided, single submitter. Criteria: Invitae Variant Classification Sherloc (09022015). Collection method: clinical testing. Allele origin: germline.
Comment: This sequence change creates a premature translational stop signal (p.Glu347*) in the MUTYH gene. It is expected to result in an absent or disrupted protein product. Loss-of-function variants in MUTYH are known to be pathogenic (PMID: 18534194, 20663686). This variant is not present in population databases (gnomAD no frequency). This variant has not been reported in the literature in individuals affected with MUTYH-related conditions. Algorithms developed to predict the effect of sequence changes on RNA splicing suggest that this variant may disrupt the consensus splice site. For these reasons, this variant has been classified as Pathogenic.

Literature cited by the submitters: PubMed 18534194; PubMed 20663686.

NM_001048174.2(MUTYH):c.955G>T (p.Glu319Ter)

Gene: MUTYH (mutY DNA glycosylase; minus strand). Cytogenetic location: 1p34.1.
Variant type: single nucleotide variant.
Coding change: c.955G>T on transcript NM_001048174.2 (MANE Select); coding-DNA position 955, G replaced by T.
Protein change: p.Glu319Ter; replaces glutamic acid 319 with a stop codon.
Molecular consequence: nonsense. On other transcripts: non-coding transcript variant (7).
Genome position (GRCh38, 1-based): chr1:45,331,808, C>A on the plus strand (G>T on the coding strand, the complement: MUTYH is on the minus strand). VCF-style: chr1-45331808-C-A. GRCh37 (hg19) VCF-style: chr1-45797480-C-A.
Other names: c.955G>T, p.Glu319Ter (NM_001048171.2, NM_001048173.2, NM_001293195.2 and 6 more transcripts); c.958G>T, p.Glu320Ter (NM_001048172.2, NM_001407078.1, NM_001407086.1 and 1 more transcripts); c.1039G>T, p.Glu347Ter (NM_001128425.2); c.1000G>T, p.Glu334Ter (NM_001293190.2); c.988G>T, p.Glu330Ter (NM_001293191.2, NM_001407069.1, NM_001407077.1); c.679G>T, p.Glu227Ter (NM_001293192.2, NM_001407091.1, NM_001293196.2); c.916G>T, p.Glu306Ter (NM_001407079.1); c.913G>T, p.Glu305Ter (NM_001407080.1); and 5 more; short protein forms E227*, E291*, E305*, E326*, E330*, E333*, E344*, E204*.
Identifiers: ClinVar variation 2699650 (VCV002699650.3), dbSNP rs2149128878, ClinGen allele CA340133797.